The following is an entry in ClinVar:

ClinVar aggregate classification (germline): Uncertain significance (1 of 4 stars; one submission).

Conditions:
Hereditary cancer-predisposing syndrome. Also called: Hereditary neoplastic syndrome; Neoplastic Syndromes, Hereditary; Tumor predisposition; Hereditary Cancer Syndrome. Identifiers: Orphanet 140162, MedGen C0027672, MeSH D009386, MONDO:0015356.

Submission:

Ambry Genetics
Classification: Uncertain significance for Hereditary cancer-predisposing syndrome. Last evaluated: 2024-12-23. Review status: criteria provided, single submitter. Criteria: Ambry Variant Classification Scheme 2023. Collection method: clinical testing. Allele origin: germline.
Comment: The p.L166Q variant (also known as c.497T>A), located in coding exon 4 of the DICER1 gene, results from a T to A substitution at nucleotide position 497. The leucine at codon 166 is replaced by glutamine, an amino acid with dissimilar properties. This amino acid position is conserved. In addition, this alteration is predicted to be deleterious by in silico analysis. Based on the available evidence, the clinical significance of this variant remains unclear.

NM_177438.3(DICER1):c.497T>A (p.Leu166Gln)

Gene: DICER1 (dicer 1, ribonuclease III; minus strand). Cytogenetic location: 14q32.13.
Variant type: single nucleotide variant.
Coding change: c.497T>A on transcript NM_177438.3 (MANE Select); coding-DNA position 497, T replaced by A.
Protein change: p.Leu166Gln; replaces leucine 166 with glutamine.
Molecular consequence: missense variant. On other transcripts: 5 prime UTR variant (1), non-coding transcript variant (6), intron variant (1).
Genome position (GRCh38, 1-based): chr14:95,130,134, A>T on the plus strand (T>A on the coding strand, the complement: DICER1 is on the minus strand). VCF-style: chr14-95130134-A-T. GRCh37 (hg19) VCF-style: chr14-95596471-A-T.
Other names: c.497T>A, p.Leu166Gln (NM_001195573.1, NM_001271282.3, NM_001291628.2 and 14 more transcripts); c.215T>A, p.Leu72Gln (NM_001395686.1); c.92T>A, p.Leu31Gln (NM_001395687.1, NM_001395688.1, NM_001395689.1 and 3 more transcripts); c.-1072T>A (NM_001395697.1); c.-20-51T>A (NM_001395691.1); short protein forms L72Q, L31Q, L166Q.
Identifiers: ClinVar variation 3839996 (VCV003839996.1).